The following continues an entry in ClinVar:

NM_025114.4(CEP290):c.5668G>T (p.Gly1890Ter)

Gene: CEP290. ClinVar aggregate classification (germline): Pathogenic/Likely pathogenic. Pathogenic (30); Likely pathogenic (1).

Submissions 14 to 38 of 38:

Institute of Human Genetics, University of Leipzig Medical Center
Classification: Pathogenic for Joubert syndrome 5. Last evaluated: 2023-01-03. Review status: criteria provided, single submitter. Criteria: ACMG Guidelines, 2015. Collection method: clinical testing. Allele origin: unknown. Affected: yes.
Comment: This variant was identified as homozygous._x000D_ Criteria applied: PVS1, PM3_VSTR, PM2_SUP, PP4

Clinical Genetics Laboratory, Skane University Hospital Lund
Classification: Pathogenic. Last evaluated: 2022-07-13. Review status: criteria provided, single submitter. Criteria: ACMG Guidelines, 2015. Collection method: clinical testing. Allele origin: germline. Affected: yes.

Baylor Genetics
Classification: Pathogenic for CEP290-related disorders. Last evaluated: 2022-05-13. Review status: criteria provided, single submitter. Criteria: ACMG Guidelines, 2015. Collection method: clinical testing. Allele origin: unknown.

GeneDx
Classification: Pathogenic. Last evaluated: 2022-01-04. Review status: criteria provided, single submitter. Criteria: GeneDx Variant Classification Process June 2021. Collection method: clinical testing. Allele origin: germline. Affected: yes.
Comment: Nonsense variant predicted to result in protein truncation or nonsense mediated decay in a gene for which loss-of-function is a known mechanism of disease; This variant is associated with the following publications: (PMID: 25937446, 23591405, 23954617, 21866095, 25818971, 16682973, 22355252, 29518907, 29398085, 26092869, 30718709, 25525159, 32139166, 27353947, 16682970, 22693042, 29620724, 28559085, 31411728, 31734136, 31589614, 21245082, 21068128, 20690115, 17564967, 17345604, 16909394, 31091803, 31488071, 31346239, 30446612, 29298421, 30114557, 26862157, 26729329, 27081510, 23847139, 19778711)

Kariminejad - Najmabadi Pathology & Genetics Center
Classification: Pathogenic for Abnormality of the nervous system. Last evaluated: 2021-07-10. Review status: criteria provided, single submitter. Criteria: ACMG Guidelines, 2015. Collection method: clinical testing. Allele origin: germline. Affected: yes.

Baylor Genetics
Classification: Pathogenic for Joubert syndrome 5. Last evaluated: 2020-06-01. Review status: criteria provided, single submitter. Criteria: ACMG Guidelines, 2015. Collection method: clinical testing. Allele origin: unknown. Affected: yes.
Comment: This variant was determined to be pathogenic according to ACMG Guidelines, 2015 [PMID:25741868].

Institute of Human Genetics, Univ. Regensburg, Univ. Regensburg
Classification: Pathogenic for Retinal dystrophy. Last evaluated: 2020-01-01. Review status: criteria provided, single submitter. Criteria: ACMG Guidelines, 2015. Collection method: clinical testing. Allele origin: germline. Affected: yes.

Centre for Genomic Medicine, Manchester, Central Manchester University Hospitals
Classification: Pathogenic for Senior-Loken syndrome 6; Joubert syndrome 5. Last evaluated: 2019-02-01. Review status: criteria provided, single submitter. Criteria: ACMG Guidelines, 2015. Collection method: clinical testing. Allele origin: germline. Affected: yes. Observed: 2 variant alleles, 2 homozygotes. Clinical features observed: Polydactyly, Retinal dystrophy, Global developmental delay, Muscular hypotonia, Renal insufficiency, Pigmentary retinal degeneration, Congenital blindness, Tapetoretinal degeneration, Congenital nystagmus.

UW Hindbrain Malformation Research Program, University of Washington
Classification: Pathogenic for Joubert syndrome 5. Last evaluated: 2015-02-23. Review status: criteria provided, single submitter. Criteria: Bachmann-Gagescu et al. (J Med Genet. 2015). Collection method: research. Allele origin: unknown. Affected: yes.

Eurofins Ntd Llc (ga)
Classification: Pathogenic. Last evaluated: 2014-05-01. Review status: criteria provided, single submitter. Criteria: EGL Classification Definitions 2015. Collection method: clinical testing. Allele origin: germline. Observed: 2 variant alleles, 2 heterozygotes.

Genetic Services Laboratory, University of Chicago
Classification: Pathogenic for Meckel Gruber syndrome. Last evaluated: 2013-07-22. Review status: criteria provided, single submitter. Criteria: ACMG Guidelines, 2007. Collection method: clinical testing. Allele origin: germline. Inheritance: Autosomal recessive inheritance. Affected: yes. Observed: 1 variant allele.

Genomics England Pilot Project, Genomics England
Classification: Likely pathogenic for Bardet-Biedl syndrome 14. Review status: criteria provided, single submitter. Criteria: ACGS Guidelines, 2016. Collection method: clinical testing. Allele origin: germline. Affected: yes.

Kasturba Medical College, Manipal, Kasturba Medical College, Manipal, Manipal Academy of Higher Education, Manipal, India
Classification: Pathogenic for Meckel syndrome, type 4. Review status: criteria provided, single submitter. Criteria: ACMG Guidelines, 2015. Collection method: research. Allele origin: inherited. Inheritance: Autosomal recessive inheritance. Affected: yes. Observed: 1 homozygote.

Neuberg Centre For Genomic Medicine, NCGM
Classification: Pathogenic for Joubert syndrome 5. Review status: criteria provided, single submitter. Criteria: ACMG Guidelines, 2015. Collection method: clinical testing. Allele origin: germline. Affected: yes.
Comment: The stop gained p.G1890* in CEP290 (NM_025114.4) has been reported has been reported previously as homozygous and compound heterozygous in multiple individuals and is one of the most commonly reported variants in Joubert syndrome (Sayer et al,Bachmann-Gagescu R et al). This variant is predicted to cause loss of normal protein function through protein truncation. The G1890X variant is observed in 6/14472 (0.04%) alleles from individuals of South Asian background, in the ExAC dataset, and no individuals were reported to be homozygous. For these reasons, this variant has been classified as Pathogenic

Pathology and Clinical Laboratory Medicine, King Fahad Medical City
Classification: Pathogenic for Joubert syndrome 5. Review status: criteria provided, single submitter. Criteria: ACMG Guidelines, 2015. Collection method: clinical testing. Allele origin: germline. Affected: yes. Observed: 1 variant allele.

Pathology and Clinical Laboratory Medicine, King Fahad Medical City
Classification: Pathogenic for Meckel syndrome, type 6. Review status: criteria provided, single submitter. Criteria: ACMG Guidelines, 2015. Collection method: clinical testing. Allele origin: germline. Affected: yes. Observed: 1 variant allele.

Suma Genomics
Classification: Pathogenic for COG7 congenital disorder of glycosylation. Review status: criteria provided, single submitter. Criteria: ACMG Guidelines, 2015. Collection method: clinical testing. Allele origin: inherited. Inheritance: Autosomal recessive inheritance. Affected: yes.

Suma Genomics
Classification: Pathogenic for Bardet-Biedl syndrome 14; Joubert syndrome 5; Meckel syndrome, type 4; Senior-Loken syndrome 6. Review status: criteria provided, single submitter. Criteria: ACMG Guidelines, 2015. Collection method: clinical testing. Allele origin: inherited. Inheritance: Autosomal recessive inheritance. Affected: yes.

Biochemical Molecular Genetic Laboratory, King Abdulaziz Medical City
Classification: Likely pathogenic for Joubert syndrome 5. Last evaluated: 2019-09-26. Review status: no assertion criteria provided. Collection method: clinical testing. Allele origin: germline. Affected: yes. Not counted in ClinVar's aggregate classification.

Department of Clinical Genetics, Copenhagen University Hospital, Rigshospitalet
Classification: Pathogenic for Retinitis pigmentosa. Last evaluated: 2018-04-01. Review status: no assertion criteria provided. Collection method: research. Allele origin: unknown. Affected: yes. Study: VeluxRD. Not counted in ClinVar's aggregate classification.

OMIM
Classification: Pathogenic for JOUBERT SYNDROME 5. Last evaluated: 2007-07-01. Review status: no assertion criteria provided. Collection method: literature only. Allele origin: germline. Not counted in ClinVar's aggregate classification.

Genome Diagnostics Laboratory, University Medical Center Utrecht
Classification: Pathogenic. Review status: no assertion criteria provided. Collection method: clinical testing. Allele origin: germline. Affected: yes. Study: VKGL Data-share Consensus. Not counted in ClinVar's aggregate classification.

Joint Genome Diagnostic Labs from Nijmegen and Maastricht, Radboudumc and MUMC+
Classification: Pathogenic. Review status: no assertion criteria provided. Collection method: clinical testing. Allele origin: germline. Affected: yes. Study: VKGL Data-share Consensus. Not counted in ClinVar's aggregate classification.

Retina International
No classification provided. Review status: no classification provided. Collection method: not provided. Allele origin: unknown. Not counted in ClinVar's aggregate classification.

Genetics and Genomic Medicine Centre, NeuroGen Healthcare, NeuroGen Healthcare
Classification: Uncertain significance for Bardet-Biedl syndrome 14. Last evaluated: 2024-03-07. Review status: flagged submission. Criteria: ACMG Guidelines, 2015. Collection method: clinical testing. Allele origin: unknown. Affected: yes. Not counted in ClinVar's aggregate classification.
ClinVar note: Reason: Outlier claim with insufficient supporting evidence

Literature cited by the submitters: PubMed 16909394 (cited by Labcorp Genetics (formerly Invitae), Labcorp); PubMed 17345604 (cited by Labcorp Genetics (formerly Invitae), Labcorp); PubMed 20690115 (cited by Labcorp Genetics (formerly Invitae), Labcorp); PubMed 16682970 (cited by Labcorp Genetics (formerly Invitae), Labcorp and OMIM); PubMed 16682973 (cited by 4 submitters); PubMed 17564967 (cited by Labcorp Genetics (formerly Invitae), Labcorp and OMIM); PubMed 21068128 (cited by Labcorp Genetics (formerly Invitae), Labcorp); PubMed 21245082 (cited by Labcorp Genetics (formerly Invitae), Labcorp); PubMed 22355252 (cited by 3 submitters); PubMed 22693042 (cited by Labcorp Genetics (formerly Invitae), Labcorp); PubMed 23591405 (cited by Labcorp Genetics (formerly Invitae), Labcorp and Institute of Human Genetics, Univ. Regensburg, Univ. Regensburg); PubMed 23954617 (cited by Labcorp Genetics (formerly Invitae), Labcorp and Institute of Human Genetics, Univ. Regensburg, Univ. Regensburg); PubMed 25818971 (cited by Labcorp Genetics (formerly Invitae), Labcorp and Institute of Human Genetics, Univ. Regensburg, Univ. Regensburg); PubMed 26092869 (cited by Labcorp Genetics (formerly Invitae), Labcorp and Institute of Medical Genetics and Genomics, Sir Ganga Ram Hospital); PubMed 27353947 (cited by Labcorp Genetics (formerly Invitae), Labcorp); PubMed 21866095 (cited by Institute of Human Genetics, Univ. Regensburg, Univ. Regensburg); PubMed 25937446 (cited by Institute of Human Genetics, Univ. Regensburg, Univ. Regensburg); PubMed 25525159 (cited by Institute of Human Genetics, Univ. Regensburg, Univ. Regensburg); PubMed 28559085 (cited by Institute of Human Genetics, Univ. Regensburg, Univ. Regensburg); PubMed 29620724 (cited by Institute of Human Genetics, Univ. Regensburg, Univ. Regensburg); PubMed 29398085 (cited by Institute of Human Genetics, Univ. Regensburg, Univ. Regensburg); PubMed 31589614 (cited by Institute of Human Genetics, Univ. Regensburg, Univ. Regensburg); PubMed 31734136 (cited by Institute of Human Genetics, Univ. Regensburg, Univ. Regensburg); PubMed 31069529 (cited by Institute of Human Genetics, Univ. Regensburg, Univ. Regensburg); PubMed 31345219 (cited by Institute of Human Genetics, Univ. Regensburg, Univ. Regensburg); PubMed 30718709 (cited by Institute of Human Genetics, Univ. Regensburg, Univ. Regensburg and Department of Clinical Genetics, Copenhagen University Hospital, Rigshospitalet); PubMed 31411728 (cited by Institute of Human Genetics, Univ. Regensburg, Univ. Regensburg); PubMed 31879347 (cited by Institute of Human Genetics, Univ. Regensburg, Univ. Regensburg); PubMed 31964843 (cited by Institute of Human Genetics, Univ. Regensburg, Univ. Regensburg); PubMed 32139166 (cited by Institute of Human Genetics, Univ. Regensburg, Univ. Regensburg); PubMed 32531858 (cited by Institute of Human Genetics, Univ. Regensburg, Univ. Regensburg); PubMed 34196201 (cited by Institute of Human Genetics, Univ. Regensburg, Univ. Regensburg); PubMed 34582790 (cited by Institute of Human Genetics, Univ. Regensburg, Univ. Regensburg); PubMed 34758253 (cited by Institute of Human Genetics, Univ. Regensburg, Univ. Regensburg); PubMed 34716235 (cited by Institute of Human Genetics, Univ. Regensburg, Univ. Regensburg); PubMed 36460718 (cited by Institute of Human Genetics, Univ. Regensburg, Univ. Regensburg); PubMed 36819107 (cited by Institute of Human Genetics, Univ. Regensburg, Univ. Regensburg).